The following is an entry in ClinVar:

NM_001374385.1(ATP8B1):c.2197G>A (p.Gly733Arg)

Genes: ATP8B1 (ATPase phospholipid transporting 8B1; minus strand), ATP8B1-AS1 (ATP8B1 antisense RNA 1; plus strand). Cytogenetic location: 18q21.31.
Variant type: single nucleotide variant.
Coding change: c.2197G>A on transcript NM_001374385.1 (MANE Select); coding-DNA position 2197, G replaced by A.
Protein change: p.Gly733Arg; replaces glycine 733 with arginine.
Molecular consequence: missense variant. On other transcripts: non-coding transcript variant (1).
Genome position (GRCh38, 1-based): chr18:57,668,441, C>T on the plus strand (G>A on the coding strand, the complement: ATP8B1 is on the minus strand). VCF-style: chr18-57668441-C-T. GRCh37 (hg19) VCF-style: chr18-55335673-C-T.
Other names: c.2047G>A, p.Gly683Arg (NM_001374386.1); c.2197G>A, p.Gly733Arg (NM_005603.6); short protein forms G683R, G733R.
Identifiers: ClinVar variation 4846143 (VCV004846143.1).
Genomic context (GRCh38, chr18:57,668,441, plus strand): 5'-ATAAATATTTGTGAATTAACAGATATGCTTCCCTGCACAATGAATTACCCTTTTTGTCTC[C>T]AGTAAGCACCCAGATCTTAATGTCAGCTTTTGCAAGTTTTGAAATGGTTTCTGGAACTCC-3'
Protein context (NP_001361314.1, residues 723-743): KADIKIWVLT[Gly733Arg]DKKETAENIG

ClinVar aggregate classification (germline): Uncertain significance (1 of 4 stars; one submission).

Conditions:
Familial intrahepatic cholestasis. Identifiers: Orphanet 284385, MedGen CN296401, MONDO:0017290.

Submission:

Genomenon, Inc
Classification: Uncertain significance for Familial intrahepatic cholestasis. Last evaluated: 2026-04-14. Review status: criteria provided, single submitter. Criteria: Genomenon Sequence Variant Interpretation Standards - Updated. Collection method: curation. Allele origin: germline. Affected: yes.
Comment: ATP8B1 p.Gly733Arg (c.2197G>A) is a missense variant that changes the amino acid at residue 733 from Glycine to Arginine. This variant has been observed in at least one proband with features of ATP8B1-deficiency (PMID:15239083). It is absent or not present at a significant frequency in gnomAD. In silico models predict that this variant is possibly or probably damaging. In conclusion, we classify ATP8B1 p.Gly733Arg (c.2197G>A) as a variant of uncertain significance.

Literature cited by the submitters: PubMed 15239083.